The following is an entry in ClinVar:

NM_015164.4(PLEKHM2):c.820G>A (p.Glu274Lys)

Gene: PLEKHM2 (pleckstrin homology and RUN domain containing M2; plus strand). Cytogenetic location: 1p36.21.
Variant type: single nucleotide variant.
Coding change: c.820G>A on transcript NM_015164.4 (MANE Select); coding-DNA position 820, G replaced by A.
Protein change: p.Glu274Lys; replaces glutamic acid 274 with lysine.
Molecular consequence: missense variant.
Genome position (GRCh38, 1-based): chr1:15,725,424, G>A. VCF-style: chr1-15725424-G-A. GRCh37 (hg19) VCF-style: chr1-16051919-G-A.
Other names: short protein forms E274K.
Identifiers: ClinVar variation 946560 (VCV000946560.8), dbSNP rs552932422, ClinGen allele CA616779.

ClinVar aggregate classification (germline): Uncertain significance (1 of 4 stars; one submission).

Allele frequency attached by ClinVar (database versions not stated): gnomAD 0.00012 and 0.00013; TOPMed 0.00015; 1000 Genomes Project 30x 0.00016; 1000 Genomes Project 0.00020.
gnomAD v4.1: 58 of 1,558,580 alleles (0.0037%); highest among the groups gnomAD compares: African/African-American, 0.045%; 1 homozygote.

Submission:

Labcorp Genetics (formerly Invitae), Labcorp
Classification: Uncertain significance. Last evaluated: 2026-01-19. Review status: criteria provided, single submitter. Criteria: Invitae Variant Classification Sherloc (09022015). Collection method: clinical testing. Allele origin: germline.
Comment: This sequence change replaces glutamic acid, which is acidic and polar, with lysine, which is basic and polar, at codon 274 of the PLEKHM2 protein (p.Glu274Lys). This variant is present in population databases (rs552932422, gnomAD 0.04%). This variant has not been reported in the literature in individuals affected with PLEKHM2-related conditions. ClinVar contains an entry for this variant (Variation ID: 946560). An algorithm developed to predict the effect of missense changes on protein structure and function (PolyPhen-2) suggests that this variant is likely to be tolerated. In summary, the available evidence is currently insufficient to determine the role of this variant in disease. Therefore, it has been classified as a Variant of Uncertain Significance.